The following is an entry in ClinVar:

ClinVar aggregate classification (germline): Conflicting classifications of pathogenicity. Review status: criteria provided, conflicting classifications (1 of 4 stars). 5 submissions from 5 submitters: Uncertain significance (1); Benign (1); Likely benign (2). 1 of the submissions does not count toward it. Last evaluated 2025-11-24.

Conditions:
MERTK-related disorder. Also called: MERTK-related condition.
Inborn genetic diseases. Identifiers: MedGen C0950123, MeSH D030342.

Allele frequency attached by ClinVar (database versions not stated): gnomAD exomes 0.00008 and 0.00022; ExAC 0.00030; ESP Exome Variant Server 0.00062; gnomAD 0.00086 and 0.00093; TOPMed 0.00106; 1000 Genomes Project 0.00140; 1000 Genomes Project 30x 0.00156.
gnomAD v4.1: 259 of 1,614,186 alleles (0.016%); highest among the groups gnomAD compares: African/African-American, 0.31%; no homozygotes.

Submissions (5):

Labcorp Genetics (formerly Invitae), Labcorp
Classification: Likely benign. Last evaluated: 2025-11-24. Review status: criteria provided, single submitter. Criteria: Invitae Variant Classification Sherloc (09022015). Collection method: clinical testing. Allele origin: germline.

Blueprint Genetics
Classification: Benign. Last evaluated: 2023-11-20. Review status: criteria provided, single submitter. Criteria: ACMG Guidelines, 2015. Collection method: clinical testing. Allele origin: germline.

Ambry Genetics
Classification: Uncertain significance for Inborn genetic diseases. Last evaluated: 2022-01-03. Review status: criteria provided, single submitter. Criteria: Ambry Variant Classification Scheme 2023. Collection method: clinical testing. Allele origin: germline.

Breakthrough Genomics
Classification: Likely benign. Review status: criteria provided, single submitter. Criteria: ACMG Guidelines, 2015. Collection method: not provided. Allele origin: germline. Inheritance: Autosomal recessive inheritance. Affected: yes.

PreventionGenetics, part of Exact Sciences
Classification: Likely benign for MERTK-related condition. Last evaluated: 2024-08-13. Review status: no assertion criteria provided. Collection method: clinical testing. Allele origin: germline. Not counted in ClinVar's aggregate classification.
Comment: This variant is classified as likely benign based on ACMG/AMP sequence variant interpretation guidelines (Richards et al. 2015 PMID: 25741868, with internal and published modifications).

NM_006343.3(MERTK):c.2809G>A (p.Glu937Lys)

Gene: MERTK (MER proto-oncogene, tyrosine kinase; plus strand). Cytogenetic location: 2q13.
Variant type: single nucleotide variant.
Coding change: c.2809G>A on transcript NM_006343.3 (MANE Select); coding-DNA position 2809, G replaced by A.
Protein change: p.Glu937Lys; replaces glutamic acid 937 with lysine.
Molecular consequence: missense variant.
Genome position (GRCh38, 1-based): chr2:112,028,673, G>A. VCF-style: chr2-112028673-G-A. GRCh37 (hg19) VCF-style: chr2-112786250-G-A.
Other names: c.2809G>A (NM_006343.2); short protein forms E937K.
Identifiers: ClinVar variation 1136986 (VCV001136986.13), dbSNP rs141647333, ClinGen allele CA1831978.